The following is an entry in ClinVar:

NM_001378615.1(CC2D2A):c.2428G>C (p.Gly810Arg)

Genes: CC2D2A (coiled-coil and C2 domain containing 2A; plus strand), FBXL5 (F-box and leucine rich repeat protein 5; minus strand). Cytogenetic location: 4p15.32.
Variant type: single nucleotide variant.
Coding change: c.2428G>C on transcript NM_001378615.1 (MANE Select); coding-DNA position 2428, G replaced by C.
Protein change: p.Gly810Arg; replaces glycine 810 with arginine.
Molecular consequence: missense variant.
Genome position (GRCh38, 1-based): chr4:15,553,247, G>C. VCF-style: chr4-15553247-G-C. GRCh37 (hg19) VCF-style: chr4-15554870-G-C.
Other names: c.2428G>C, p.Gly810Arg (NM_001080522.2); c.2281G>C, p.Gly761Arg (NM_001378617.1); short protein forms G761R, G810R.
Identifiers: ClinVar variation 4606592 (VCV004606592.2).

ClinVar aggregate classification (germline): Uncertain significance. Review status: criteria provided, multiple submitters, no conflicts (2 of 4 stars). 2 submissions from 2 submitters: Uncertain significance (2). Last evaluated 2025-09-28.

Conditions:
CC2D2A-related disorder. Also called: CC2D2A-related condition; CC2D2A-related disorders. Identifiers: MedGen CN239313.
Inborn genetic diseases. Identifiers: MedGen C0950123, MeSH D030342.

gnomAD v4.1: 1 of 1,613,312 alleles (0.000062%); highest among the groups gnomAD compares: African/African-American, 0.0013%; no homozygotes.

Submissions (2):

Ambry Genetics
Classification: Uncertain significance for Inborn genetic diseases. Last evaluated: 2025-09-28. Review status: criteria provided, single submitter. Criteria: Ambry Variant Classification Scheme 2023. Collection method: clinical testing. Allele origin: germline.

PreventionGenetics, part of Exact Sciences
Classification: Uncertain significance for CC2D2A-related condition. Last evaluated: 2024-12-05. Review status: criteria provided, single submitter. Criteria: ACMG Guidelines, 2015. Collection method: clinical testing. Allele origin: germline.
Comment: The CC2D2A c.2428G>C variant is predicted to result in the amino acid substitution p.Gly810Arg. To our knowledge, this variant has not been reported in the literature or in a large population database (gnomAD), indicating this variant is rare. At this time, the clinical significance of this variant is uncertain due to the absence of conclusive functional and genetic evidence.